The following is an entry in ClinVar:

NM_000435.3(NOTCH3):c.4850T>C (p.Val1617Ala)

Gene: NOTCH3 (notch receptor 3; minus strand). Cytogenetic location: 19p13.12.
Variant type: single nucleotide variant.
Coding change: c.4850T>C on transcript NM_000435.3 (MANE Select); coding-DNA position 4850, T replaced by C.
Protein change: p.Val1617Ala; replaces valine 1617 with alanine.
Molecular consequence: missense variant.
Genome position (GRCh38, 1-based): chr19:15,170,712, A>G on the plus strand (T>C on the coding strand, the complement: NOTCH3 is on the minus strand). VCF-style: chr19-15170712-A-G. GRCh37 (hg19) VCF-style: chr19-15281523-A-G.
Other names: short protein forms V1617A.
Identifiers: ClinVar variation 4708753 (VCV004708753.1).

ClinVar aggregate classification (germline): Uncertain significance (1 of 4 stars; one submission).

Submission:

Labcorp Genetics (formerly Invitae), Labcorp
Classification: Uncertain significance. Last evaluated: 2025-08-15. Review status: criteria provided, single submitter. Criteria: Invitae Variant Classification Sherloc (09022015). Collection method: clinical testing. Allele origin: germline.
Comment: This sequence change replaces valine, which is neutral and non-polar, with alanine, which is neutral and non-polar, at codon 1617 of the NOTCH3 protein (p.Val1617Ala). This variant is not present in population databases (gnomAD no frequency). This variant has not been reported in the literature in individuals affected with NOTCH3-related conditions. Invitae Evidence Modeling of protein sequence and biophysical properties (such as structural, functional, and spatial information, amino acid conservation, physicochemical variation, residue mobility, and thermodynamic stability) indicates that this missense variant is not expected to disrupt NOTCH3 protein function with a negative predictive value of 95%. In summary, the available evidence is currently insufficient to determine the role of this variant in disease. Therefore, it has been classified as a Variant of Uncertain Significance.